The following is an entry in ClinVar:

NM_000017.4(ACADS):c.625-3C>T

Gene: ACADS (acyl-CoA dehydrogenase short chain; plus strand). Cytogenetic location: 12q24.31.
Variant type: single nucleotide variant.
Coding change: c.625-3C>T on transcript NM_000017.4 (MANE Select); 3 bases into the intron before coding-DNA position 625, C replaced by T.
Molecular consequence: intron variant.
Genome position (GRCh38, 1-based): chr12:120,738,277, C>T. VCF-style: chr12-120738277-C-T. GRCh37 (hg19) VCF-style: chr12-121176080-C-T.
Other names: c.613-3C>T (NM_001302554.2).
Identifiers: ClinVar variation 2079797 (VCV002079797.4), dbSNP rs1883524540, ClinGen allele CA2067555246.

ClinVar aggregate classification (germline): Uncertain significance (1 of 4 stars; one submission).

Conditions:
Deficiency of butyryl-CoA dehydrogenase (ACADSD). Also called: ACYL-CoA DEHYDROGENASE, SHORT-CHAIN, DEFICIENCY OF; SCADH DEFICIENCY; ACADS DEFICIENCY; Short-Chain Acyl-CoA Dehydrogenase Deficiency; SCAD Deficiency; SCAD DEFICIENCY, MILD. Identifiers: Orphanet 26792, MedGen C0342783, MONDO:0008722, OMIM 201470. Disease mechanism: May be benign.

Allele frequency attached by ClinVar (database versions not stated): gnomAD exomes below 0.00001; TOPMed below 0.00001.
gnomAD v4.1: 1 of 1,614,170 alleles (0.000062%); highest among the groups gnomAD compares: Non-Finnish European, 0.000085%; no homozygotes.

Submission:

Labcorp Genetics (formerly Invitae), Labcorp
Classification: Uncertain significance for Deficiency of butyryl-CoA dehydrogenase. Last evaluated: 2022-01-11. Review status: criteria provided, single submitter. Criteria: Invitae Variant Classification Sherloc (09022015). Collection method: clinical testing. Allele origin: germline.
Comment: In summary, the available evidence is currently insufficient to determine the role of this variant in disease. Therefore, it has been classified as a Variant of Uncertain Significance. Variants that disrupt the consensus splice site are a relatively common cause of aberrant splicing (PMID: 17576681, 9536098). Algorithms developed to predict the effect of sequence changes on RNA splicing suggest that this variant is not likely to affect RNA splicing. This variant has not been reported in the literature in individuals affected with ACADS-related conditions. This variant is not present in population databases (gnomAD no frequency). This sequence change falls in intron 5 of the ACADS gene. It does not directly change the encoded amino acid sequence of the ACADS protein. It affects a nucleotide within the consensus splice site.

Literature cited by the submitters: PubMed 17576681; PubMed 9536098.